The following is an entry in ClinVar:

ClinVar aggregate classification (germline): Uncertain significance. Review status: criteria provided, multiple submitters, no conflicts (2 of 4 stars). 2 submissions from 2 submitters: Uncertain significance (2). Last evaluated 2025-09-19.

Conditions:
Mitochondrial complex II deficiency, nuclear type 1. Also called: SUCCINATE CoQ REDUCTASE DEFICIENCY. Identifiers: Orphanet 3208, MedGen C5700310, MONDO:0100294, OMIM 252011.
Pheochromocytoma/paraganglioma syndrome 5. Also called: SDHA-Related Hereditary Paraganglioma-Pheochromocytoma Syndrome; Paragangliomas 5. Identifiers: Orphanet 29072, MedGen C3279992, MONDO:0013602, OMIM 614165.
Hereditary cancer-predisposing syndrome. Also called: Neoplastic Syndromes, Hereditary; Hereditary Cancer Syndrome; Tumor predisposition; Hereditary neoplastic syndrome. Identifiers: Orphanet 140162, MedGen C0027672, MeSH D009386, MONDO:0015356.

Allele frequency attached by ClinVar (database versions not stated): gnomAD exomes 0.00001.
gnomAD v4.1: 9 of 1,612,570 alleles (0.00056%); highest among the groups gnomAD compares: Non-Finnish European, 0.00076%; no homozygotes.

Submissions (2):

Ambry Genetics
Classification: Uncertain significance for Hereditary cancer-predisposing syndrome. Last evaluated: 2025-09-19. Review status: criteria provided, single submitter. Criteria: Ambry Variant Classification Scheme 2023. Collection method: clinical testing. Allele origin: germline.
Comment: The p.S663F variant (also known as c.1988C>T), located in coding exon 15 of the SDHA gene, results from a C to T substitution at nucleotide position 1988. The serine at codon 663 is replaced by phenylalanine, an amino acid with highly dissimilar properties. This amino acid position is highly conserved in available vertebrate species. In addition, this alteration is predicted to be deleterious by in silico analysis. Since supporting evidence is limited at this time, the clinical significance of this alteration remains unclear.

Labcorp Genetics (formerly Invitae), Labcorp
Classification: Uncertain significance for Pheochromocytoma/paraganglioma syndrome 5; Mitochondrial complex II deficiency, nuclear type 1. Last evaluated: 2025-05-21. Review status: criteria provided, single submitter. Criteria: Invitae Variant Classification Sherloc (09022015). Collection method: clinical testing. Allele origin: germline.
Comment: This sequence change replaces serine, which is neutral and polar, with phenylalanine, which is neutral and non-polar, at codon 663 of the SDHA protein (p.Ser663Phe). This variant is not present in population databases (gnomAD no frequency). This variant has not been reported in the literature in individuals affected with SDHA-related conditions. ClinVar contains an entry for this variant (Variation ID: 412377). Invitae Evidence Modeling of protein sequence and biophysical properties (such as structural, functional, and spatial information, amino acid conservation, physicochemical variation, residue mobility, and thermodynamic stability) indicates that this missense variant is not expected to disrupt SDHA protein function with a negative predictive value of 95%. In summary, the available evidence is currently insufficient to determine the role of this variant in disease. Therefore, it has been classified as a Variant of Uncertain Significance.

NM_004168.4(SDHA):c.1988C>T (p.Ser663Phe)

Gene: SDHA (succinate dehydrogenase complex flavoprotein subunit A; plus strand). Cytogenetic location: 5p15.33.
Variant type: single nucleotide variant.
Coding change: c.1988C>T on transcript NM_004168.4 (MANE Select); coding-DNA position 1988, C replaced by T.
Protein change: p.Ser663Phe; replaces serine 663 with phenylalanine.
Molecular consequence: missense variant.
Genome position (GRCh38, 1-based): chr5:256,413, C>T. VCF-style: chr5-256413-C-T. GRCh37 (hg19) VCF-style: chr5-256528-C-T.
Other names: c.1844C>T, p.Ser615Phe (NM_001294332.2); c.1745C>T, p.Ser582Phe (NM_001330758.2); short protein forms S663F, S615F, S582F.
Identifiers: ClinVar variation 412377 (VCV000412377.20), dbSNP rs1060503719, ClinGen allele CA16611849.